The following is an entry in ClinVar:

Conditions:
Arteriohepatic dysplasia. Also called: Alagille Syndrome. Identifiers: Orphanet 52, MedGen C0085280, MeSH D016738, MONDO:0007318.

Submission:

Gilbert/Spinner Lab, Children's Hospital of Philadelphia
No classification provided (evidence only). Condition: Alagille syndrome. Review status: no classification provided. Collection method: research. Allele origin: not applicable. Functional consequence: functionally_abnormal.
ClinVar note: "not provided" was previously submitted as the classification for the variant. However, the classification appeared to be based only on an observation of functional data so it was converted to no classification on 2025-07-30.

NM_000214.3(JAG1):c.283G>A (p.Gly95Ser)

Gene: JAG1 (jagged canonical Notch ligand 1; minus strand). Cytogenetic location: 20p12.2.
Variant type: single nucleotide variant.
Coding change: c.283G>A on transcript NM_000214.3 (MANE Select); coding-DNA position 283, G replaced by A.
Protein change: p.Gly95Ser; replaces glycine 95 with serine.
Molecular consequence: missense variant.
Genome position (GRCh38, 1-based): chr20:10,672,805, C>T on the plus strand (G>A on the coding strand, the complement: JAG1 is on the minus strand). VCF-style: chr20-10672805-C-T. GRCh37 (hg19) VCF-style: chr20-10653453-C-T.
Other names: short protein forms G95S.
Identifiers: ClinVar variation 3573264 (VCV003573264.2).